The following is an entry in ClinVar:

ClinVar aggregate classification (germline): Uncertain significance (1 of 4 stars; one submission).

Conditions:
Mucopolysaccharidosis, MPS-III-A (MPS3A). Also called: HEPARAN SULFATE SULFATASE DEFICIENCY; SANFILIPPO SYNDROME A; SULFAMIDASE DEFICIENCY; MPS III A; Mucopolysaccharidosis, type IIIA; MUCOPOLYSACCHARIDOSIS, TYPE IIIA, ATTENUATED. Identifiers: Orphanet 581, Orphanet 79269, MedGen C0086647, MONDO:0009655, OMIM 252900.

Submission:

Labcorp Genetics (formerly Invitae), Labcorp
Classification: Uncertain significance for Mucopolysaccharidosis, MPS-III-A. Last evaluated: 2022-05-09. Review status: criteria provided, single submitter. Criteria: Invitae Variant Classification Sherloc (09022015). Collection method: clinical testing. Allele origin: germline.
Comment: In summary, the available evidence is currently insufficient to determine the role of this variant in disease. Therefore, it has been classified as a Variant of Uncertain Significance. Algorithms developed to predict the effect of missense changes on protein structure and function are either unavailable or do not agree on the potential impact of this missense change (SIFT: "Tolerated"; PolyPhen-2: "Possibly Damaging"; Align-GVGD: "Class C0"). This variant has not been reported in the literature in individuals affected with SGSH-related conditions. This variant is not present in population databases (gnomAD no frequency). This sequence change replaces proline, which is neutral and non-polar, with serine, which is neutral and polar, at codon 395 of the SGSH protein (p.Pro395Ser).

NM_000199.5(SGSH):c.1183C>T (p.Pro395Ser)

Gene: SGSH (N-sulfoglucosamine sulfohydrolase; minus strand). Cytogenetic location: 17q25.3.
Variant type: single nucleotide variant.
Coding change: c.1183C>T on transcript NM_000199.5 (MANE Select); coding-DNA position 1183, C replaced by T.
Protein change: p.Pro395Ser; replaces proline 395 with serine.
Molecular consequence: missense variant. On other transcripts: 3 prime UTR variant (2), non-coding transcript variant (1).
Genome position (GRCh38, 1-based): chr17:80,210,778, G>A on the plus strand (C>T on the coding strand, the complement: SGSH is on the minus strand). VCF-style: chr17-80210778-G-A. GRCh37 (hg19) VCF-style: chr17-78184577-G-A.
Other names: c.*270C>T (NM_001352921.3); c.*233C>T (NM_001352922.2); short protein forms P395S.
Identifiers: ClinVar variation 2134870 (VCV002134870.4), dbSNP rs2144694038, ClinGen allele CA401358967.
Genomic context (GRCh38, chr17:80,210,778, plus strand): 5'-TGCGGTTCAGGAGGTCCTGGAAGGTGGGTGAGACGTAGAAGTCCTGGTCGATGGGAAAGG[G>A]CATCTTGAAGTTGAGGTTGTGCACGAGGCGGAAGTGCCGGTGCTGCACGGAGCGCATGGG-3'
Protein context (NP_000190.1, residues 385-405): RLVHNLNFKM[Pro395Ser]FPIDQDFYVS